The following is an entry in ClinVar:

ClinVar aggregate classification (germline): Uncertain significance (1 of 4 stars; one submission).

Conditions:
TP63-Related Spectrum Disorders.

Allele frequency attached by ClinVar (database versions not stated): gnomAD exomes below 0.00001; ExAC 0.00001; gnomAD 0.00001; TOPMed 0.00001.
gnomAD v4.1: 5 of 1,614,008 alleles (0.00031%); highest among the groups gnomAD compares: African/African-American, 0.0027%; no homozygotes.

Submission:

Labcorp Genetics (formerly Invitae), Labcorp
Classification: Uncertain significance. Last evaluated: 2023-10-24. Review status: criteria provided, single submitter. Criteria: Invitae Variant Classification Sherloc (09022015). Collection method: clinical testing. Allele origin: germline.
Comment: This sequence change replaces serine, which is neutral and polar, with leucine, which is neutral and non-polar, at codon 101 of the TP63 protein (p.Ser101Leu). This variant is present in population databases (rs755677647, gnomAD 0.007%). This variant has not been reported in the literature in individuals affected with TP63-related conditions. Advanced modeling of protein sequence and biophysical properties (such as structural, functional, and spatial information, amino acid conservation, physicochemical variation, residue mobility, and thermodynamic stability) has been performed at Invitae for this missense variant, however the output from this modeling did not meet the statistical confidence thresholds required to predict the impact of this variant on TP63 protein function. In summary, the available evidence is currently insufficient to determine the role of this variant in disease. Therefore, it has been classified as a Variant of Uncertain Significance.

NM_003722.5(TP63):c.302C>T (p.Ser101Leu)

Gene: TP63 (tumor protein p63; plus strand). Cytogenetic location: 3q28.
Variant type: single nucleotide variant.
Coding change: c.302C>T on transcript NM_003722.5 (MANE Select); coding-DNA position 302, C replaced by T.
Protein change: p.Ser101Leu; replaces serine 101 with leucine.
Molecular consequence: missense variant.
Genome position (GRCh38, 1-based): chr3:189,738,752, C>T. VCF-style: chr3-189738752-C-T. GRCh37 (hg19) VCF-style: chr3-189456541-C-T.
Other names: c.302C>T, p.Ser101Leu (NM_001114978.2, NM_001114979.2, NM_001329144.2 and 1 more transcripts); c.296C>T, p.Ser99Leu (NM_001329964.2); short protein forms S101L, S99L.
Identifiers: ClinVar variation 2883810 (VCV002883810.2), dbSNP rs755677647, ClinGen allele CA2752071.